The following is an entry in ClinVar:

NM_002524.5(NRAS):c.297G>T (p.Gln99His)

Gene: NRAS (NRAS proto-oncogene, GTPase; minus strand). Cytogenetic location: 1p13.2.
Variant type: single nucleotide variant.
Coding change: c.297G>T on transcript NM_002524.5 (MANE Select); coding-DNA position 297, G replaced by T.
Protein change: p.Gln99His; replaces glutamine 99 with histidine.
Molecular consequence: missense variant.
Genome position (GRCh38, 1-based): chr1:114,709,722, C>A on the plus strand (G>T on the coding strand, the complement: NRAS is on the minus strand). VCF-style: chr1-114709722-C-A. GRCh37 (hg19) VCF-style: chr1-115252343-C-A.
Other names: short protein forms Q99H.
Identifiers: ClinVar variation 1445087 (VCV001445087.6), dbSNP rs941246661, ClinGen allele CA29042413.

ClinVar aggregate classification (germline): Uncertain significance (1 of 4 stars; one submission).

Conditions:
RASopathy. Also called: rasopathies; Noonan spectrum disorder. Identifiers: Orphanet 536391, MedGen C5555857, MONDO:0021060.

Allele frequency attached by ClinVar (database versions not stated): gnomAD exomes 0.00001; TOPMed 0.00001.
gnomAD v4.1: 18 of 1,612,918 alleles (0.0011%); highest among the groups gnomAD compares: Non-Finnish European, 0.0015%; no homozygotes.

Submission:

Labcorp Genetics (formerly Invitae), Labcorp
Classification: Uncertain significance for RASopathy. Last evaluated: 2025-12-31. Review status: criteria provided, single submitter. Criteria: Invitae Variant Classification Sherloc (09022015). Collection method: clinical testing. Allele origin: germline.
Comment: This sequence change replaces glutamine, which is neutral and polar, with histidine, which is basic and polar, at codon 99 of the NRAS protein (p.Gln99His). This variant is not present in population databases (gnomAD no frequency). This variant has not been reported in the literature in individuals affected with NRAS-related conditions. ClinVar contains an entry for this variant (Variation ID: 1445087). Invitae Evidence Modeling of protein sequence and biophysical properties (such as structural, functional, and spatial information, amino acid conservation, physicochemical variation, residue mobility, and thermodynamic stability) indicates that this missense variant is expected to disrupt NRAS protein function with a positive predictive value of 95%. In summary, the available evidence is currently insufficient to determine the role of this variant in disease. Therefore, it has been classified as a Variant of Uncertain Significance.